The following is an entry in ClinVar:

ClinVar aggregate classification (germline): Likely benign. Review status: criteria provided, multiple submitters, no conflicts (2 of 4 stars). 4 submissions from 4 submitters: Likely benign (3). 1 of the submissions does not count toward it. Last evaluated 2023-04-06.

Conditions:
Hereditary cancer-predisposing syndrome. Also called: Tumor predisposition; Hereditary neoplastic syndrome; Neoplastic Syndromes, Hereditary; Hereditary Cancer Syndrome. Identifiers: Orphanet 140162, MedGen C0027672, MeSH D009386, MONDO:0015356.
Fanconi anemia (FA). Also called: Fanconi's anemia. Identifiers: Orphanet 84, MedGen C0015625, MeSH D005199, MONDO:0019391.

Allele frequency attached by ClinVar (database versions not stated): gnomAD exomes below 0.00001; ExAC 0.00001; gnomAD 0.00001; TOPMed 0.00001.
gnomAD v4.1: 1 of 1,613,696 alleles (0.000062%); highest among the groups gnomAD compares: African/African-American, 0.0013%; no homozygotes.

Submissions (4):

Labcorp Genetics (formerly Invitae), Labcorp
Classification: Likely benign for Fanconi anemia. Last evaluated: 2023-04-06. Review status: criteria provided, single submitter. Criteria: Invitae Variant Classification Sherloc (09022015). Collection method: clinical testing. Allele origin: germline.

Ambry Genetics
Classification: Likely benign for Hereditary cancer-predisposing syndrome. Last evaluated: 2021-07-26. Review status: criteria provided, single submitter. Criteria: Ambry Variant Classification Scheme 2023. Collection method: clinical testing. Allele origin: germline.

GeneDx
Classification: Likely benign. Last evaluated: 2018-02-28. Review status: criteria provided, single submitter. Criteria: GeneDx Variant Classification (06012015). Collection method: clinical testing. Allele origin: germline. Affected: yes.
Comment: This variant is considered likely benign or benign based on one or more of the following criteria: it is a conservative change, it occurs at a poorly conserved position in the protein, it is predicted to be benign by multiple in silico algorithms, and/or has population frequency not consistent with disease.

Natera, Inc.
Classification: Likely benign for Fanconi anemia. Last evaluated: 2018-06-30. Review status: no assertion criteria provided. Collection method: clinical testing. Allele origin: germline. Not counted in ClinVar's aggregate classification.

NM_000136.3(FANCC):c.1305G>C (p.Gly435=)

Genes: AOPEP (aminopeptidase O (putative); plus strand), FANCC (FA complementation group C; minus strand). Cytogenetic location: 9q22.32.
Variant type: single nucleotide variant.
Coding change: c.1305G>C on transcript NM_000136.3 (MANE Select); coding-DNA position 1305, G replaced by C.
Protein change: p.Gly435=; no amino-acid change (glycine 435 retained).
Molecular consequence: synonymous variant.
Genome position (GRCh38, 1-based): chr9:95,111,487, C>G on the plus strand (G>C on the coding strand, the complement: FANCC is on the minus strand). VCF-style: chr9-95111487-C-G. GRCh37 (hg19) VCF-style: chr9-97873769-C-G.
Other names: c.1305G>C, p.Gly435= (NM_001243743.2, NM_001243744.2).
Identifiers: ClinVar variation 381842 (VCV000381842.12), dbSNP rs765092951, ClinGen allele CA5137401.
Genomic context (GRCh38, chr9:95,111,487, plus strand): 5'-CCACCCCAAACACATGCAGTGGGGCCTGCTACCCACCATAGTCTGTGCTCTCTGCTGCCT[C>G]CCATCACGGGGGCCGTAGTAGAAGGCCAAGAGCCACAGCAGGGCCGTGGGGGGTTCGGCT-3'
Protein context (NP_000127.2, residues 425-445): LLAFYYGPRD[Gly435=]RQQRAQTMVQ